The following is an entry in ClinVar:

ClinVar aggregate classification (germline): Uncertain significance. Review status: criteria provided, multiple submitters, no conflicts (2 of 4 stars). 2 submissions from 2 submitters: Uncertain significance (2). Last evaluated 2024-06-18.

Conditions:
Inborn genetic diseases. Identifiers: MedGen C0950123, MeSH D030342.

Allele frequency attached by ClinVar (database versions not stated): gnomAD exomes 0.00002 and 0.00003; gnomAD 0.00003; ExAC 0.00004; TOPMed 0.00006; ESP Exome Variant Server 0.00008; 1000 Genomes Project 30x 0.00031; 1000 Genomes Project 0.00040.
gnomAD v4.1: 44 of 1,611,516 alleles (0.0027%); highest among the groups gnomAD compares: Middle Eastern, 0.05%; no homozygotes.

Submissions (2):

Labcorp Genetics (formerly Invitae), Labcorp
Classification: Uncertain significance. Last evaluated: 2024-06-18. Review status: criteria provided, single submitter. Criteria: Invitae Variant Classification Sherloc (09022015). Collection method: clinical testing. Allele origin: germline.
Comment: This sequence change replaces threonine, which is neutral and polar, with methionine, which is neutral and non-polar, at codon 630 of the PCLO protein (p.Thr630Met). This variant is present in population databases (rs201668310, gnomAD 0.004%). This variant has not been reported in the literature in individuals affected with PCLO-related conditions. ClinVar contains an entry for this variant (Variation ID: 1369363). Experimental studies and prediction algorithms are not available or were not evaluated, and the functional significance of this variant is currently unknown. In summary, the available evidence is currently insufficient to determine the role of this variant in disease. Therefore, it has been classified as a Variant of Uncertain Significance.

Ambry Genetics
Classification: Uncertain significance for Inborn genetic diseases. Last evaluated: 2024-01-03. Review status: criteria provided, single submitter. Criteria: Ambry Variant Classification Scheme 2023. Collection method: clinical testing. Allele origin: germline.

NM_033026.6(PCLO):c.1889C>T (p.Thr630Met)

Gene: PCLO (piccolo presynaptic cytomatrix protein; minus strand). Cytogenetic location: 7q21.11.
Variant type: single nucleotide variant.
Coding change: c.1889C>T on transcript NM_033026.6 (MANE Select); coding-DNA position 1889, C replaced by T.
Protein change: p.Thr630Met; replaces threonine 630 with methionine.
Molecular consequence: missense variant.
Genome position (GRCh38, 1-based): chr7:83,154,752, G>A on the plus strand (C>T on the coding strand, the complement: PCLO is on the minus strand). VCF-style: chr7-83154752-G-A. GRCh37 (hg19) VCF-style: chr7-82784068-G-A.
Other names: c.1889C>T, p.Thr630Met (NM_014510.3); c.1889C>T (NM_033026.5); short protein forms T630M.
Identifiers: ClinVar variation 1369363 (VCV001369363.8), dbSNP rs201668310, ClinGen allele CA4321372.
Genomic context (GRCh38, chr7:83,154,752, plus strand): 5'-TGTATAAGAGGATGATATGGCTGAAGAGTATGGACTCAGTGAATAAATGCACTTACCTCC[G>A]TTAAATGAGGATTGGGATTAAAACCACAGAGACTACAGACAGTGGTTTGACACTCAGTGC-3'
Protein context (NP_149015.2, residues 620-640): LCGFNPNPHL[Thr630Met]EVKEWLCLNC